The following is an entry in ClinVar:

NM_001376.5(DYNC1H1):c.2441C>G (p.Ala814Gly)

Gene: DYNC1H1 (dynein cytoplasmic 1 heavy chain 1; plus strand). Cytogenetic location: 14q32.31.
Variant type: single nucleotide variant.
Coding change: c.2441C>G on transcript NM_001376.5 (MANE Select); coding-DNA position 2441, C replaced by G.
Protein change: p.Ala814Gly; replaces alanine 814 with glycine.
Molecular consequence: missense variant.
Genome position (GRCh38, 1-based): chr14:101,986,666, C>G. VCF-style: chr14-101986666-C-G. GRCh37 (hg19) VCF-style: chr14-102453003-C-G.
Other names: short protein forms A814G.
Identifiers: ClinVar variation 1200585 (VCV001200585.6), dbSNP rs140342004, ClinGen allele CA7351818.
Genomic context (GRCh38, chr14:101,986,666, plus strand): 5'-AGGTGGAGGAGCGGAACACCATTTCCCTTTTGGTGGCTGGCTTGAAAAAGGAAGTGCAGG[C>G]CCTGATCGCAGAAGGCATTGCGTTGGTGTGGGAGTCCTACAAACTTGACCCATATGTACA-3'
Protein context (NP_001367.2, residues 804-824): LVAGLKKEVQ[Ala814Gly]LIAEGIALVW

ClinVar aggregate classification (germline): Conflicting classifications of pathogenicity. Review status: criteria provided, conflicting classifications (1 of 4 stars). 2 submissions from 2 submitters: Uncertain significance (1); Likely benign (1). Last evaluated 2023-04-12.

Conditions:
Charcot-Marie-Tooth disease axonal type 2O. Also called: Charcot-Marie-Tooth Neuropathy Type 2O; Charcot-Marie-Tooth disease, axonal, type 20; CHARCOT-MARIE-TOOTH NEUROPATHY, AXONAL, TYPE 2O; CHARCOT-MARIE-TOOTH DISEASE, AXONAL, AUTOSOMAL DOMINANT, TYPE 2O. Identifiers: Orphanet 284232, MedGen C3280220, MONDO:0013644, OMIM 614228.

Allele frequency attached by ClinVar (database versions not stated): gnomAD exomes below 0.00001 and 0.00001; gnomAD 0.00001; ExAC 0.00002; TOPMed 0.00002; ESP Exome Variant Server 0.00008.

Submissions (2):

Labcorp Genetics (formerly Invitae), Labcorp
Classification: Likely benign for Charcot-Marie-Tooth disease axonal type 2O. Last evaluated: 2023-04-12. Review status: criteria provided, single submitter. Criteria: Invitae Variant Classification Sherloc (09022015). Collection method: clinical testing. Allele origin: germline.

GeneDx
Classification: Uncertain significance. Last evaluated: 2020-02-17. Review status: criteria provided, single submitter. Criteria: GeneDx Variant Classification Process June 2021. Collection method: clinical testing. Allele origin: germline. Affected: yes.
Comment: In silico analysis supports that this missense variant does not alter protein structure/function; Has not been previously published as pathogenic or benign to our knowledge